The following is an entry in ClinVar:

ClinVar aggregate classification (germline): Pathogenic. Review status: reviewed by expert panel (3 of 4 stars). 5 submissions from 5 submitters: Pathogenic (1). 4 of the submissions do not count toward it. Last evaluated 2016-09-08.

Conditions:
Hereditary cancer-predisposing syndrome. Also called: Tumor predisposition; Neoplastic Syndromes, Hereditary; Hereditary Cancer Syndrome; Hereditary neoplastic syndrome. Identifiers: Orphanet 140162, MedGen C0027672, MeSH D009386, MONDO:0015356.
Hereditary breast ovarian cancer syndrome. Also called: Hereditary breast and ovarian cancer syndrome (HBOC); Hereditary breast and ovarian cancer syndrome; Hereditary breast and ovarian cancer; Hereditary breast and/or ovarian cancer syndrome; Breast and ovarian cancer; BRCA1- and BRCA2-Associated Hereditary Breast and Ovarian Cancer. Identifiers: Orphanet 145, MedGen C0677776, MeSH D061325, MONDO:0003582. Disease mechanism: loss of function.
Breast-ovarian cancer, familial, susceptibility to, 1 (BROVCA1). Also called: OVARIAN CANCER, SUSCEPTIBILITY TO; BRCA1 Hereditary Breast and Ovarian Cancer. Identifiers: Orphanet 145, MedGen C2676676, MONDO:0011450, OMIM 604370. Disease mechanism: loss of function.

Submissions (5):

Evidence-based Network for the Interpretation of Germline Mutant Alleles (ENIGMA)
Classification: Pathogenic for Breast-ovarian cancer, familial, susceptibility to, 1. Last evaluated: 2016-09-08. Review status: reviewed by expert panel. Criteria: ENIGMA BRCA1/2 Classification Criteria (2015). Collection method: curation. Allele origin: germline.
Comment: Variant allele predicted to encode a truncated non-functional protein.

Labcorp Genetics (formerly Invitae), Labcorp
Classification: Pathogenic for Hereditary breast ovarian cancer syndrome. Last evaluated: 2025-12-02. Review status: criteria provided, single submitter. Criteria: Invitae Variant Classification Sherloc (09022015). Collection method: clinical testing. Allele origin: germline. Not counted in ClinVar's aggregate classification.
Comment: This sequence change creates a premature translational stop signal (p.Met546Valfs*20) in the BRCA1 gene. It is expected to result in an absent or disrupted protein product. Loss-of-function variants in BRCA1 are known to be pathogenic (PMID: 20104584). This variant is not present in population databases (gnomAD no frequency). This premature translational stop signal has been observed in individual(s) with breast cancer (PMID: 27469594). ClinVar contains an entry for this variant (Variation ID: 54315). For these reasons, this variant has been classified as Pathogenic.

Ambry Genetics
Classification: Pathogenic for Hereditary cancer-predisposing syndrome. Last evaluated: 2023-02-13. Review status: criteria provided, single submitter. Criteria: Ambry Variant Classification Scheme 2023. Collection method: clinical testing. Allele origin: germline. Not counted in ClinVar's aggregate classification.
Comment: The c.1636_1654del19 pathogenic mutation, located in coding exon 9 of the BRCA1 gene, results from a deletion of 19 nucleotides at nucleotide positions 1636 to 1654, causing a translational frameshift with a predicted alternate stop codon (p.M546Vfs*20). This variant has been identified in a cohort of women with breast cancer from Trinidad and Tobago (Donenberg T et al. Breast Cancer Res Treat, 2016 Aug;159:131-8). In addition to the clinical data presented in the literature, this alteration is expected to result in loss of function by premature protein truncation or nonsense-mediated mRNA decay. This variant is considered to be rare based on population cohorts in the Genome Aggregation Database (gnomAD). As such, this alteration is interpreted as a disease-causing mutation.

Color Diagnostics, LLC DBA Color Health
Classification: Pathogenic for Hereditary cancer-predisposing syndrome. Last evaluated: 2020-12-28. Review status: criteria provided, single submitter. Criteria: ACMG Guidelines, 2015. Collection method: clinical testing. Allele origin: germline. Not counted in ClinVar's aggregate classification.
Comment: This variant deletes 19 nucleotides in exon 10 of the BRCA1 gene, creating a frameshift and premature translation stop signal. This variant is expected to result in an absent or non-functional protein product. To our knowledge, functional studies have not been reported for this variant. This variant has been observed in an individual affected with breast cancer (PMID: 27469594) and individual who underwent cancer genetic testing (PMID: 15829246, 16267036). This variant has not been identified in the general population by the Genome Aggregation Database (gnomAD). Loss of BRCA1 function is a known mechanism of disease. Based on the available evidence, this variant is classified as Pathogenic.

Breast Cancer Information Core (BIC) (BRCA1)
Classification: Pathogenic for Breast-ovarian cancer, familial 1. Last evaluated: 2002-05-29. Review status: no assertion criteria provided. Collection method: clinical testing. Allele origin: germline. Affected: yes. Observed: 3 variant alleles. Not counted in ClinVar's aggregate classification.

Literature cited by the submitters: PubMed 20104584 (cited by Labcorp Genetics (formerly Invitae), Labcorp); PubMed 27469594 (cited by Labcorp Genetics (formerly Invitae), Labcorp and Ambry Genetics).

NM_007294.4(BRCA1):c.1636_1654del (p.Met546fs)

Gene: BRCA1 (BRCA1 DNA repair associated; minus strand). Cytogenetic location: 17q21.31.
Variant type: Deletion.
Coding change: c.1636_1654del on transcript NM_007294.4 (MANE Select); coding-DNA positions 1636 to 1654, 19 bases deleted (ATGAATATTACTAATAGTG).
Protein change: p.Met546fs; shifts the reading frame from methionine 546.
Molecular consequence: frameshift variant. On other transcripts: intron variant (137).
Genome position (GRCh38, 1-based): chr17:43,093,877-43,093,895, CACTATTAGTAATATTCAT deleted on the plus strand (ATGAATATTACTAATAGTG on the coding strand, the reverse complement: BRCA1 is on the minus strand); deleting any 19 consecutive bases within chr17:43,093,877-43,093,899 gives the same sequence; the c. name uses the placement nearest the transcript's 3' end. VCF-style (leftmost placement, unchanged base first): chr17-43093876-CCACTATTAGTAATATTCAT-C. GRCh37 (hg19) VCF-style: chr17-41245893-CCACTATTAGTAATATTCAT-C.
Other names: 1755del19; c.1636_1654delATGAATATTACTAATAGTG (NM_007294.3); c.1636_1654del19 (NM_007294.3); c.1423_1441del, p.Met475fs (NM_001407571.1, NM_001407853.1, NM_001407894.1 and 9 more transcripts); c.1636_1654del, p.Met546fs (NM_001407581.1, NM_001407582.1, NM_001407583.1 and 30 more transcripts); c.1633_1651del, p.Met545fs (NM_001407587.1, NM_001407590.1, NM_001407591.1 and 22 more transcripts); c.1627_1645del, p.Met543fs (NM_001407646.1, NM_001407647.1); c.1513_1531del, p.Met505fs (NM_001407648.1, NM_001407664.1, NM_001407665.1 and 19 more transcripts); and 44 more; short protein forms M499fs, M546fs, M378fs, M434fs, M498fs, M520fs, M545fs, M458fs.
Identifiers: ClinVar variation 54315 (VCV000054315.13), dbSNP rs80359881, ClinGen allele CA001085.